The following is an entry in ClinVar:

ClinVar aggregate classification (germline): Uncertain significance (1 of 4 stars; one submission).

Conditions:
Wilson disease (WND). Also called: Wilson's disease. Identifiers: Orphanet 905, MedGen C0019202, MONDO:0010200, OMIM 277900. Disease mechanism: loss of function.

Allele frequency attached by ClinVar (database versions not stated): gnomAD exomes below 0.00001.

Submission:

All of Us Research Program, National Institutes of Health
Classification: Uncertain significance for Wilson disease. Last evaluated: 2023-12-18. Review status: criteria provided, single submitter. Criteria: ACMG Guidelines, 2015. Collection method: clinical testing. Allele origin: germline. Inheritance: Autosomal recessive inheritance. Observed: 1 variant allele, 1 heterozygote.
Comment: This missense variant replaces serine with asparagine at codon 334 of the ATP7B protein. Computational prediction suggests that this variant may not impact protein structure and function (internally defined REVEL score threshold <= 0.5, PMID: 27666373). To our knowledge, functional studies have not been reported for this variant. This variant has not been reported in individuals affected with ATP7B-related disorders in the literature. This variant has not been identified in the general population by the Genome Aggregation Database (gnomAD). The available evidence is insufficient to determine the role of this variant in disease conclusively. Therefore, this variant is classified as a Variant of Uncertain Significance.

This study involves interpretation of variants in research participants for the purpose of population health screening. Participant phenotype was not available at the time of variant classification. Additional details can be found in publication PMID: 35346344, PMCID: PMC8962531

NM_000053.4(ATP7B):c.1001G>A (p.Ser334Asn)

Gene: ATP7B (ATPase copper transporting beta; minus strand). Cytogenetic location: 13q14.3.
Variant type: single nucleotide variant.
Coding change: c.1001G>A on transcript NM_000053.4 (MANE Select); coding-DNA position 1001, G replaced by A.
Protein change: p.Ser334Asn; replaces serine 334 with asparagine.
Molecular consequence: missense variant. On other transcripts: intron variant (2).
Genome position (GRCh38, 1-based): chr13:51,974,219, C>T on the plus strand (G>A on the coding strand, the complement: ATP7B is on the minus strand). VCF-style: chr13-51974219-C-T. GRCh37 (hg19) VCF-style: chr13-52548355-C-T.
Other names: c.803-135G>A (NM_001243182.2); c.707-135G>A (NM_001406539.1); c.1001G>A, p.Ser334Asn (NM_001005918.3, NM_001330578.2, NM_001330579.2 and 29 more transcripts); c.905G>A, p.Ser302Asn (NM_001406517.1, NM_001406518.1, NM_001406536.1 and 3 more transcripts); short protein forms S302N, S334N.
Identifiers: ClinVar variation 3075191 (VCV003075191.1), dbSNP rs2547816092, ClinGen allele CA388039675.